The following is an entry in ClinVar:

ClinVar aggregate classification (germline): Pathogenic (1 of 4 stars; one submission).

Conditions:
Retinoblastoma (RB1). Also called: RETINOBLASTOMA, SOMATIC. Identifiers: Orphanet 790, MedGen C0035335, MeSH D012175, MONDO:0008380, OMIM 180200, HP:0009919. Disease mechanism: loss of function. Inheritance: Both sporadic and heritable forms are tested..

Submission:

Labcorp Genetics (formerly Invitae), Labcorp
Classification: Pathogenic for Retinoblastoma. Last evaluated: 2019-05-27. Review status: criteria provided, single submitter. Criteria: Invitae Variant Classification Sherloc (09022015). Collection method: clinical testing. Allele origin: germline.
Comment: This sequence change creates a premature translational stop signal (p.Leu797Tyrfs*13) in the RB1 gene. It is expected to result in an absent or disrupted protein product. This variant is not present in population databases (ExAC no frequency). This variant has been observed in individuals affected with bilateral retinoblastooma (PMID: 11317357, 22205104). This variant is also reported as g.162266delC in the literature. Loss-of-function variants in RB1 are known to be pathogenic (PMID: 17096365). For these reasons, this variant has been classified as Pathogenic.

Literature cited by the submitters: PubMed 11317357; PubMed 22205104; PubMed 17096365.

NM_000321.3(RB1):c.2388del (p.Leu797fs)

Gene: RB1 (RB transcriptional corepressor 1; plus strand). Cytogenetic location: 13q14.2.
Variant type: Deletion.
Coding change: c.2388del on transcript NM_000321.3 (MANE Select); coding-DNA position 2388, one base deleted (C; older notation c.2388delC).
Protein change: p.Leu797fs; shifts the reading frame from leucine 797.
Molecular consequence: frameshift variant.
Genome position (GRCh38, 1-based): chr13:48,465,267, C deleted; the last of 3 consecutive C bases (chr13:48,465,265-48,465,267); deleting any one gives the same sequence. VCF-style (leftmost placement, unchanged base first): chr13-48465264-AC-A. GRCh37 (hg19) VCF-style: chr13-49039400-AC-A.
Other names: short protein forms L797fs.
Identifiers: ClinVar variation 944454 (VCV000944454.9), dbSNP rs869264218, ClinGen allele CA249310481.